The following is an entry in ClinVar:

ClinVar aggregate classification (germline): Benign. Review status: criteria provided, multiple submitters, no conflicts (2 of 4 stars). 5 submissions from 5 submitters: Benign (4). 1 of the submissions does not count toward it. Last evaluated 2026-02-02.

Conditions:
EEF2-related disorder. Also called: EEF2-related condition.

Allele frequency attached by ClinVar (database versions not stated): gnomAD exomes 0.13214 and 0.11413; ExAC 0.14388; 1000 Genomes Project 0.25559; ESP Exome Variant Server 0.25588; gnomAD 0.23460 and 0.24242; TOPMed 0.25021; 1000 Genomes Project 30x 0.26374.
gnomAD v4.1: 203,168 of 1,613,786 alleles (13%); highest among the groups gnomAD compares: African/African-American, 59%; 22,054 homozygotes.

Submissions (5):

Labcorp Genetics (formerly Invitae), Labcorp
Classification: Benign. Last evaluated: 2026-02-02. Review status: criteria provided, single submitter. Criteria: Invitae Variant Classification Sherloc (09022015). Collection method: clinical testing. Allele origin: germline.

GeneDx
Classification: Benign. Last evaluated: 2021-05-04. Review status: criteria provided, single submitter. Criteria: GeneDx Variant Classification Process June 2021. Collection method: clinical testing. Allele origin: germline. Affected: yes.

Athena Diagnostics
Classification: Benign. Last evaluated: 2019-09-20. Review status: criteria provided, single submitter. Criteria: Athena Diagnostics Criteria. Collection method: clinical testing. Allele origin: unknown.

Breakthrough Genomics
Classification: Benign. Review status: criteria provided, single submitter. Criteria: ACMG Guidelines, 2015. Collection method: not provided. Allele origin: germline. Inheritance: Autosomal dominant inheritance. Affected: yes.

PreventionGenetics, part of Exact Sciences
Classification: Benign for EEF2-related condition. Last evaluated: 2019-05-08. Review status: no assertion criteria provided. Collection method: clinical testing. Allele origin: germline. Not counted in ClinVar's aggregate classification.
Comment: This variant is classified as benign based on ACMG/AMP sequence variant interpretation guidelines (Richards et al. 2015 PMID: 25741868, with internal and published modifications).

NM_001961.4(EEF2):c.324T>C (p.His108=)

Gene: EEF2 (eukaryotic translation elongation factor 2; minus strand). Cytogenetic location: 19p13.3.
Variant type: single nucleotide variant.
Coding change: c.324T>C on transcript NM_001961.4 (MANE Select); coding-DNA position 324, T replaced by C.
Protein change: p.His108=; no amino-acid change (histidine 108 retained).
Molecular consequence: synonymous variant.
Genome position (GRCh38, 1-based): chr19:3,983,186, A>G on the plus strand (T>C on the coding strand, the complement: EEF2 is on the minus strand). VCF-style: chr19-3983186-A-G. GRCh37 (hg19) VCF-style: chr19-3983184-A-G.
Identifiers: ClinVar variation 995089 (VCV000995089.11), dbSNP rs2230560, ClinGen allele CA9089455.